The following is an entry in ClinVar:

ClinVar aggregate classification (germline): Conflicting classifications of pathogenicity. Review status: criteria provided, conflicting classifications (1 of 4 stars). 4 submissions from 4 submitters: Uncertain significance (1); Likely benign (3). Last evaluated 2025-06-13.

Conditions:
Hypoparathyroidism-retardation-dysmorphism syndrome (HRDS). Also called: SANJAD-SAKATI SYNDROME. Identifiers: Orphanet 2323, MedGen C1855840, MONDO:0009426, OMIM 241410.

Allele frequency attached by ClinVar (database versions not stated): gnomAD 0.00052 and 0.00060; TOPMed 0.00069; ESP Exome Variant Server 0.00077.
gnomAD v4.1: 168 of 1,613,796 alleles (0.01%); highest among the groups gnomAD compares: African/African-American, 0.19%; no homozygotes.

Submissions (4):

Labcorp Genetics (formerly Invitae), Labcorp
Classification: Likely benign. Last evaluated: 2025-06-13. Review status: criteria provided, single submitter. Criteria: Invitae Variant Classification Sherloc (09022015). Collection method: clinical testing. Allele origin: germline.

CeGaT Center for Human Genetics Tuebingen
Classification: Likely benign. Last evaluated: 2023-12-01. Review status: criteria provided, single submitter. Criteria: CeGaT Center For Human Genetics Tuebingen Variant Classification Criteria Version 2. Collection method: clinical testing. Allele origin: germline. Affected: yes. Observed: 1 variant allele.
Comment: TBCE: BP4, BP7

Blueprint Genetics
Classification: Likely benign. Last evaluated: 2023-07-17. Review status: criteria provided, single submitter. Criteria: ACMG Guidelines, 2015. Collection method: clinical testing. Allele origin: germline.

Illumina Laboratory Services, Illumina
Classification: Uncertain significance for Hypoparathyroidism-retardation-dysmorphism syndrome. Last evaluated: 2018-01-12. Review status: criteria provided, single submitter. Criteria: ICSL Variant Classification Criteria 13 December 2019. Collection method: clinical testing. Allele origin: germline.

NM_003193.5(TBCE):c.945C>T (p.Asn315=)

Gene: TBCE (tubulin folding cofactor E; plus strand). Cytogenetic location: 1q42.3.
Variant type: single nucleotide variant.
Coding change: c.945C>T on transcript NM_003193.5 (MANE Select); coding-DNA position 945, C replaced by T.
Protein change: p.Asn315=; no amino-acid change (asparagine 315 retained).
Molecular consequence: synonymous variant.
Genome position (GRCh38, 1-based): chr1:235,436,590, C>T. VCF-style: chr1-235436590-C-T. GRCh37 (hg19) VCF-style: chr1-235599905-C-T.
Other names: c.945C>T, p.Asn315= (NM_001079515.3); c.1098C>T, p.Asn366= (NM_001287801.2); c.606C>T, p.Asn202= (NM_001287802.2).
Identifiers: ClinVar variation 709363 (VCV000709363.34), dbSNP rs138014826, ClinGen allele CA1464270.